The following is an entry in ClinVar:

NM_001080517.3(SETD5):c.567+934C>T

Gene: SETD5 (SET domain containing 5; plus strand). Cytogenetic location: 3p25.3.
Variant type: single nucleotide variant.
Coding change: c.567+934C>T on transcript NM_001080517.3 (MANE Select); 934 bases into the intron after coding-DNA position 567, C replaced by T.
Molecular consequence: intron variant.
Genome position (GRCh38, 1-based): chr3:9,436,840, C>T. VCF-style: chr3-9436840-C-T. GRCh37 (hg19) VCF-style: chr3-9478524-C-T.
Other names: c.235-10C>T (NM_001349451.2, NM_001292043.2).
Identifiers: ClinVar variation 3040849 (VCV003040849.2), dbSNP rs954259048, ClinGen allele CA69949578.
Genomic context (GRCh38, chr3:9,436,840, plus strand): 5'-TCAGATAGGTATAACTGTCATTCTTGGTACCAAGTTTTGTTTGTTCTACTTGTTTTCCTC[C>T]TTGGGATAGGCATTTCGAGAGGGATCCCGGAAGTCCTTGCGGATGAAGGTAAGGGGTAAT-3'

ClinVar aggregate classification (germline): Likely benign (0 of 4 stars; one submission).

Conditions:
SETD5-related disorder. Also called: SETD5-related disorders; SETD5-related condition.

Allele frequency attached by ClinVar (database versions not stated): gnomAD exomes 0.00001; gnomAD 0.00025; TOPMed 0.00026.
gnomAD v4.1: 54 of 1,549,824 alleles (0.0035%); highest among the groups gnomAD compares: African/African-American, 0.067%; no homozygotes.

Submission:

PreventionGenetics, part of Exact Sciences
Classification: Likely benign for SETD5-related condition. Last evaluated: 2020-01-13. Review status: no assertion criteria provided. Collection method: clinical testing. Allele origin: germline.
Comment: This variant is classified as likely benign based on ACMG/AMP sequence variant interpretation guidelines (Richards et al. 2015 PMID: 25741868, with internal and published modifications).